The following is an entry in ClinVar:

NM_001122630.2(CDKN1C):c.522TCCGGC[2] (p.168AP[7])

Gene: CDKN1C (cyclin dependent kinase inhibitor 1C; minus strand). Cytogenetic location: 11p15.4.
Variant type: Microsatellite.
Coding change: c.522TCCGGC[2] on transcript NM_001122630.2 (MANE Select); two copies in a row of the 6-base unit TCCGGC starting at c.522; the reference has three copies in a row; one copy, 6 bases deleted.
Protein change: p.168AP[7].
Molecular consequence: inframe deletion. On other transcripts: intron variant (1).
Genome position (GRCh38, 1-based): chr11:2,884,918-2,884,923, GCCGGA deleted on the plus strand (TCCGGC on the coding strand, the reverse complement: CDKN1C is on the minus strand); deleting any 6 consecutive bases within chr11:2,884,918-2,884,940 gives the same sequence; the position shown is the placement nearest the transcript's 3' end. VCF-style (leftmost placement, unchanged base first): chr11-2884917-GGCCGGA-G. GRCh37 (hg19) VCF-style: chr11-2906147-GGCCGGA-G.
Other names: c.555TCCGGC[2], p.179AP[7] (NM_000076.2, NM_001362474.2); c.522TCCGGC[2], p.168AP[7] (NM_001122631.2); c.255+267TCCGGC[2] (NM_001362475.2); c.567_572delTCCGGC (NM_000076.2); c.567_572del (NM_000076.2); c.567_572del6 (NM_000076.2).
Identifiers: ClinVar variation 236958 (VCV000236958.33), dbSNP rs878853632, ClinGen allele CA10582902.
Genomic context (GRCh38, chr11:2,884,917, plus strand): 5'-GGCGGGGGCCGGGGCCGGGGCCGGGGCCGGGGCTGGGGCCGGGGCCGCGACTGGAGCCGG[GGCCGGA>G]GCCGGAGCCGGAGCCGGGGCCGGGGCCGGGGCCAGGACCGCGACCGCGACCGGAGCCGCG-3'

ClinVar aggregate classification (germline): Conflicting classifications of pathogenicity. Review status: criteria provided, conflicting classifications (1 of 4 stars). 6 submissions from 6 submitters: Uncertain significance (1); Benign (1); Likely benign (3). 1 of the submissions does not count toward it. Last evaluated 2026-08-01.

Conditions:
CDKN1C-related disorder. Also called: CDKN1C-related condition.
Inborn genetic diseases. Identifiers: MedGen C0950123, MeSH D030342.
Beckwith-Wiedemann syndrome (BWS). Also called: EMG SYNDROME; Exomphalos macroglossia gigantism syndrome. Identifiers: Orphanet 116, MedGen C0004903, MONDO:0007534, OMIM 130650.

Submissions (6):

CeGaT Center for Human Genetics Tuebingen
Classification: Likely benign. Last evaluated: 2026-08-01. Review status: criteria provided, single submitter. Criteria: CeGaT Center For Human Genetics Tuebingen Variant Classification Criteria Version 2. Collection method: clinical testing. Allele origin: germline. Affected: yes. Observed: 5 variant alleles.
Comment: CDKN1C: BS1

Labcorp Genetics (formerly Invitae), Labcorp
Classification: Benign for Beckwith-Wiedemann syndrome. Last evaluated: 2026-01-26. Review status: criteria provided, single submitter. Criteria: Invitae Variant Classification Sherloc (09022015). Collection method: clinical testing. Allele origin: germline.

Blueprint Genetics
Classification: Likely benign. Last evaluated: 2024-09-16. Review status: criteria provided, single submitter. Criteria: ACMG Guidelines, 2015. Collection method: clinical testing. Allele origin: germline.

Ambry Genetics
Classification: Likely benign for Inborn genetic diseases. Last evaluated: 2021-05-26. Review status: criteria provided, single submitter. Criteria: Ambry Variant Classification Scheme 2023. Collection method: clinical testing. Allele origin: germline.

Eurofins Ntd Llc (ga)
Classification: Uncertain significance. Last evaluated: 2015-06-10. Review status: criteria provided, single submitter. Criteria: EGL Classification Definitions 2015. Collection method: clinical testing. Allele origin: germline.

PreventionGenetics, part of Exact Sciences
Classification: Likely benign for CDKN1C-related condition. Last evaluated: 2020-10-07. Review status: no assertion criteria provided. Collection method: clinical testing. Allele origin: germline. Not counted in ClinVar's aggregate classification.
Comment: This variant is classified as likely benign based on ACMG/AMP sequence variant interpretation guidelines (Richards et al. 2015 PMID: 25741868, with internal and published modifications).